The following is an entry in ClinVar:

ClinVar aggregate classification (germline): Uncertain significance (1 of 4 stars; one submission).

Conditions:
Werner syndrome (WRN). Identifiers: Orphanet 902, MedGen C0043119, MONDO:0010196, OMIM 277700.

Submission:

Labcorp Genetics (formerly Invitae), Labcorp
Classification: Uncertain significance for Werner syndrome. Last evaluated: 2023-03-04. Review status: criteria provided, single submitter. Criteria: Invitae Variant Classification Sherloc (09022015). Collection method: clinical testing. Allele origin: germline.
Comment: In summary, the available evidence is currently insufficient to determine the role of this variant in disease. Therefore, it has been classified as a Variant of Uncertain Significance. An algorithm developed to predict the effect of missense changes on protein structure and function (PolyPhen-2) suggests that this variant is likely to be disruptive. This variant has not been reported in the literature in individuals affected with WRN-related conditions. This variant is not present in population databases (gnomAD no frequency). This sequence change replaces leucine, which is neutral and non-polar, with proline, which is neutral and non-polar, at codon 169 of the WRN protein (p.Leu169Pro).

NM_000553.6(WRN):c.506T>C (p.Leu169Pro)

Gene: WRN (WRN RecQ like helicase; plus strand). Cytogenetic location: 8p12.
Variant type: single nucleotide variant.
Coding change: c.506T>C on transcript NM_000553.6 (MANE Select); coding-DNA position 506, T replaced by C.
Protein change: p.Leu169Pro; replaces leucine 169 with proline.
Molecular consequence: missense variant.
Genome position (GRCh38, 1-based): chr8:31,067,034, T>C. VCF-style: chr8-31067034-T-C. GRCh37 (hg19) VCF-style: chr8-30924550-T-C.
Other names: short protein forms L169P.
Identifiers: ClinVar variation 2842829 (VCV002842829.3), dbSNP rs1812732644, ClinGen allele CA370915798.
Genomic context (GRCh38, chr8:31,067,034, plus strand): 5'-TTTGGTAATACCTGAAAACAGGAACTGATTTTACTGTGTTGCTTTTTCATCATTTCTAGC[T>C]GAAATGCACAGAGACCTGGAGCCTTAACAGTCTGGTTAAACACCTCTTAGGTAAACAGCT-3'
Protein context (NP_000544.2, residues 159-179): VELTDVANKK[Leu169Pro]KCTETWSLNS